The following is an entry in ClinVar:

NM_001042424.3(NSD2):c.901G>A (p.Ala301Thr)

Gene: NSD2 (nuclear receptor binding SET domain protein 2; plus strand). Cytogenetic location: 4p16.3.
Variant type: single nucleotide variant.
Coding change: c.901G>A on transcript NM_001042424.3 (MANE Select); coding-DNA position 901, G replaced by A.
Protein change: p.Ala301Thr; replaces alanine 301 with threonine.
Molecular consequence: missense variant. On other transcripts: 5 prime UTR variant (2).
Genome position (GRCh38, 1-based): chr4:1,917,011, G>A. VCF-style: chr4-1917011-G-A. GRCh37 (hg19) VCF-style: chr4-1918738-G-A.
Other names: c.901G>A, p.Ala301Thr (NM_001440892.1, NM_001440894.1, NM_001440895.1 and 8 more transcripts); c.1000G>A, p.Ala334Thr (NM_001440893.1); c.-69G>A (NM_001440899.1, NM_001440900.1); short protein forms A301T, A334T.
Identifiers: ClinVar variation 4279593 (VCV004279593.1).

ClinVar aggregate classification (germline): Uncertain significance (1 of 4 stars; one submission).

Conditions:
Rauch-Steindl syndrome (RAUST). Identifiers: Orphanet 659642, MedGen C5562061, MONDO:0859219, OMIM 619695.

Submission:

Diagnostics Services (NGS), CSIR - Centre For Cellular And Molecular Biology
Classification: Uncertain significance for Rauch-Steindl syndrome. Last evaluated: 2025-08-21. Review status: criteria provided, single submitter. Criteria: ACMG Guidelines, 2015. Collection method: clinical testing. Allele origin: germline. Affected: yes. Observed: 1 variant allele, 1 heterozygote.
Comment: The c.901G>A variant is not present in publicly available population databases like 1000 Genomes, EVS, gnomAD, Indian Exome Database or our internal database. This variant has neither been published in the literature for NSD2-related conditions nor reported to clinical databases like Human Genome Mutation database (HGMD), ClinVar or OMIM in any affected individuals. In-silico pathogenicity prediction programs like Polyphen-2, MutationTaster2021, CADD, etc predicted this variant to be likely deleterious, however these predictions were not confirmed by published functional studies. A different amino acid change in the same codon (Ala301Val) has been previously reported to the ClinVar database as ‘Likely Pathogenic’.